The following is an entry in ClinVar:

ClinVar aggregate classification (germline): Pathogenic/Likely pathogenic. Review status: criteria provided, multiple submitters, no conflicts (2 of 4 stars). 4 submissions from 4 submitters: Pathogenic (2); Likely pathogenic (1). 1 of the submissions does not count toward it. Last evaluated 2023-09-13.

Conditions:
Hereditary cancer-predisposing syndrome. Also called: Hereditary Cancer Syndrome; Hereditary neoplastic syndrome; Tumor predisposition; Neoplastic Syndromes, Hereditary. Identifiers: Orphanet 140162, MedGen C0027672, MeSH D009386, MONDO:0015356.
Familial cancer of breast. Also called: BREAST CANCER, FAMILIAL; hereditary breast carcinoma; Hereditary breast cancer. Identifiers: Orphanet 227535, MedGen C0346153, MONDO:0016419, OMIM 114480. Disease mechanism: loss of function.

Submissions (4):

Myriad Genetics, Inc.
Classification: Pathogenic for Familial cancer of breast. Last evaluated: 2023-09-13. Review status: criteria provided, single submitter. Criteria: Myriad Autosomal Dominant, Autosomal Recessive and X-Linked Classification Criteria (2023). Collection method: clinical testing. Allele origin: unknown.
Comment: This variant is considered pathogenic. This variant creates a frameshift predicted to result in premature protein truncation.

GeneDx
Classification: Likely pathogenic. Last evaluated: 2016-11-03. Review status: criteria provided, single submitter. Criteria: GeneDx Variant Classification (06012015). Collection method: clinical testing. Allele origin: germline. Affected: yes.
Comment: This duplication of one nucleotide in PALB2 is denoted c.2686dupT at the cDNA level and p.Ser896PhefsX32 (S896FfsX32) at the protein level. The normal sequence, with the base that is duplicated in braces, is AGTT[T]CTCT. The duplication causes a frameshift which changes a Serine to a Phenylalanine at codon 896, and creates a premature stop codon at position 32 of the new reading frame. This variant is predicted to cause loss of normal protein function through either protein truncation or nonsense-mediated mRNA decay. PALB2 c.2686dupT has been observed in 3 of 972 individuals with personal and family histories of invasive breast cancer and was not identified in 960 unrelated controls (Casadei 2011). Based on the currently available information, we consider this duplication to be a likely pathogenic variant.

Ambry Genetics
Classification: Pathogenic for Hereditary cancer-predisposing syndrome. Last evaluated: 2016-07-21. Review status: criteria provided, single submitter. Criteria: Ambry Variant Classification Scheme 2023. Collection method: clinical testing. Allele origin: germline.
Comment: The c.2686dupT pathogenic mutation, located in coding exon 7 of the PALB2 gene, results from a duplication of T at nucleotide position 2686, causing a translational frameshift with a predicted alternate stop codon (p.S896Ffs*32). This mutation has been reported in multiple patients and families with hereditary breast cancer (Casadei S et al. Cancer Res., 2011 Mar;71:2222-9; Antoniou AC et al. N. Engl. J. Med., 2014 Aug;371:497-506). In addition to the clinical data presented in the literature, this alteration is expected to result in loss of function by premature protein truncation or nonsense-mediated mRNA decay. As such, this alteration is interpreted as a disease-causing mutation.

Leiden Open Variation Database
Classification: Pathogenic for Familial cancer of breast. Last evaluated: 2019-05-13. Review status: no assertion criteria provided. Collection method: curation. Allele origin: germline. Affected: yes. Not counted in ClinVar's aggregate classification.
Comment: Curators: Marc Tischkowitz, Arleen D. Auerbach. Submitter to LOVD: Marc Tischkowitz.

Literature cited by the submitters: PubMed 21285249 (cited by Ambry Genetics and Leiden Open Variation Database); PubMed 25099575 (cited by Ambry Genetics and Leiden Open Variation Database).

NM_024675.4(PALB2):c.2686dup (p.Ser896fs)

Gene: PALB2 (partner and localizer of BRCA2; minus strand). Cytogenetic location: 16p12.2.
Variant type: Duplication.
Coding change: c.2686dup on transcript NM_024675.4 (MANE Select); coding-DNA position 2686, one base duplicated (T; older notation c.2686dupT).
Protein change: p.Ser896fs; shifts the reading frame from serine 896.
Molecular consequence: frameshift variant.
Genome position (GRCh38, 1-based): chr16:23,626,298, A duplicated on the plus strand (T on the coding strand, the reverse complement: PALB2 is on the minus strand); the first of 3 consecutive A bases (chr16:23,626,298-23,626,300); duplicating any one gives the same sequence. VCF-style (leftmost placement, unchanged base first): chr16-23626297-G-GA. GRCh37 (hg19) VCF-style: chr16-23637618-G-GA.
Other names: NM_024675.3:c.2686dup; c.2686dupT (NM_024675.3); short protein forms S896fs.
Identifiers: ClinVar variation 126673 (VCV000126673.9), dbSNP rs1555459954, ClinGen allele CA269557.